The following is an entry in ClinVar:

ClinVar aggregate classification (germline): Uncertain significance. Review status: criteria provided, multiple submitters, no conflicts (2 of 4 stars). 3 submissions from 3 submitters: Uncertain significance (3). Last evaluated 2022-09-13.

Conditions:
Inborn genetic diseases. Identifiers: MedGen C0950123, MeSH D030342.
Peroxisome biogenesis disorder 2B (PBD2B). Identifiers: Orphanet 44, MedGen C3550234, MONDO:0008736, OMIM 202370.

Allele frequency attached by ClinVar (database versions not stated): gnomAD exomes 0.00002 and 0.00004; ExAC 0.00006; gnomAD 0.00009 and 0.00013; TOPMed 0.00014; ESP Exome Variant Server 0.00031.
gnomAD v4.1: 40 of 1,613,976 alleles (0.0025%); highest among the groups gnomAD compares: African/African-American, 0.044%; no homozygotes.

Submissions (3):

Labcorp Genetics (formerly Invitae), Labcorp
Classification: Uncertain significance for Peroxisome biogenesis disorder 2B. Last evaluated: 2022-09-13. Review status: criteria provided, single submitter. Criteria: Invitae Variant Classification Sherloc (09022015). Collection method: clinical testing. Allele origin: germline.
Comment: This sequence change replaces threonine, which is neutral and polar, with proline, which is neutral and non-polar, at codon 633 of the PEX5 protein (p.Thr633Pro). This variant is present in population databases (rs200471952, gnomAD 0.04%). This variant has not been reported in the literature in individuals affected with PEX5-related conditions. ClinVar contains an entry for this variant (Variation ID: 593551). Advanced modeling of protein sequence and biophysical properties (such as structural, functional, and spatial information, amino acid conservation, physicochemical variation, residue mobility, and thermodynamic stability) performed at Invitae indicates that this missense variant is not expected to disrupt PEX5 protein function. In summary, the available evidence is currently insufficient to determine the role of this variant in disease. Therefore, it has been classified as a Variant of Uncertain Significance.

Ambry Genetics
Classification: Uncertain significance for Inborn genetic diseases. Last evaluated: 2021-06-23. Review status: criteria provided, single submitter. Criteria: Ambry Variant Classification Scheme 2023. Collection method: clinical testing. Allele origin: germline.

Eurofins Ntd Llc (ga)
Classification: Uncertain significance. Last evaluated: 2017-08-08. Review status: criteria provided, single submitter. Criteria: EGL Classification Definitions 2015. Collection method: clinical testing. Allele origin: germline. Observed: 1 variant allele, 1 heterozygote.

NM_001351132.2(PEX5):c.1897A>C (p.Thr633Pro)

Gene: PEX5 (peroxisomal biogenesis factor 5; plus strand). Cytogenetic location: 12p13.31.
Variant type: single nucleotide variant.
Coding change: c.1897A>C on transcript NM_001351132.2 (MANE Select); coding-DNA position 1897, A replaced by C.
Protein change: p.Thr633Pro; replaces threonine 633 with proline.
Molecular consequence: missense variant.
Genome position (GRCh38, 1-based): chr12:7,210,200, A>C. VCF-style: chr12-7210200-A-C. GRCh37 (hg19) VCF-style: chr12-7362796-A-C.
Other names: c.1873A>C, p.Thr625Pro (NM_000319.5); c.1942A>C, p.Thr648Pro (NM_001131023.2); c.1786A>C, p.Thr596Pro (NM_001131024.2, NM_001351124.3, NM_001351126.2 and 7 more transcripts); c.1897A>C, p.Thr633Pro (NM_001131025.2, NM_001131026.2, NM_001300789.3 and 4 more transcripts); c.1831A>C, p.Thr611Pro (NM_001351135.3, NM_001351138.2); c.1888A>C, p.Thr630Pro (NM_001351136.2); c.1762A>C, p.Thr588Pro (NM_001351139.2, NM_001351140.2, NM_001374649.2); short protein forms T625P, T633P, T611P, T596P, T588P, T630P, T648P.
Identifiers: ClinVar variation 593551 (VCV000593551.10), dbSNP rs200471952, ClinGen allele CA6426618.
Genomic context (GRCh38, chr12:7,210,200, plus strand): 5'-ATGTTAGGCCAGAGCGATGCCTATGGGGCAGCCGACGCGCGGGATCTGTCCACCCTCCTA[A>C]CTATGTTTGGCCTGCCCCAGTGACAGTGGGACGGGCTGCCCTGTGAGTGTCCACCTGGAG-3'
Protein context (NP_001338061.1, residues 623-639): ADARDLSTLL[Thr633Pro]MFGLPQ